The following is an entry in ClinVar:

NM_007294.4(BRCA1):c.812T>C (p.Val271Ala)

Gene: BRCA1 (BRCA1 DNA repair associated; minus strand). Cytogenetic location: 17q21.31.
Variant type: single nucleotide variant.
Coding change: c.812T>C on transcript NM_007294.4 (MANE Select); coding-DNA position 812, T replaced by C.
Protein change: p.Val271Ala; replaces valine 271 with alanine.
Molecular consequence: missense variant. On other transcripts: 5 prime UTR variant (2), intron variant (137).
Genome position (GRCh38, 1-based): chr17:43,094,719, A>G on the plus strand (T>C on the coding strand, the complement: BRCA1 is on the minus strand). VCF-style: chr17-43094719-A-G. GRCh37 (hg19) VCF-style: chr17-41246736-A-G.
Other names: c.548T>C, p.Val183Ala (NM_001407927.1, NM_001407928.1, NM_001407933.1 and 9 more transcripts); c.545T>C, p.Val182Ala (NM_001407934.1, NM_001407936.1, NM_001407930.1 and 2 more transcripts); c.809T>C, p.Val270Ala (NM_001407638.1, NM_001407644.1, NM_001407645.1 and 22 more transcripts); c.812T>C, p.Val271Ala (NM_001407639.1, NM_001407640.1, NM_001407641.1 and 30 more transcripts); c.803T>C, p.Val268Ala (NM_001407646.1, NM_001407647.1); c.689T>C, p.Val230Ala (NM_001407648.1, NM_001407664.1, NM_001407665.1 and 19 more transcripts); c.686T>C, p.Val229Ala (NM_001407649.1, NM_001407670.1, NM_001407671.1 and 11 more transcripts); c.734T>C, p.Val245Ala (NM_001407653.1, NM_001407654.1, NM_001407655.1 and 4 more transcripts); and 40 more; short protein forms V271A, V224A, V144A, V203A, V229A, V270A, V182A, V201A.
Identifiers: ClinVar variation 409371 (VCV000409371.13), dbSNP rs753099787, ClinGen allele CA10600457.

ClinVar aggregate classification (germline): Conflicting classifications of pathogenicity. Review status: criteria provided, conflicting classifications (1 of 4 stars). 3 submissions from 3 submitters: Uncertain significance (2); Likely benign (1). Last evaluated 2024-06-23.

Conditions:
Hereditary breast ovarian cancer syndrome. Also called: Hereditary breast and ovarian cancer; Hereditary breast and/or ovarian cancer syndrome; BRCA1- and BRCA2-Associated Hereditary Breast and Ovarian Cancer; Hereditary breast and ovarian cancer syndrome; Hereditary breast and ovarian cancer syndrome (HBOC); Breast and ovarian cancer. Identifiers: Orphanet 145, MedGen C0677776, MeSH D061325, MONDO:0003582. Disease mechanism: loss of function.
Hereditary cancer-predisposing syndrome. Also called: Tumor predisposition; Hereditary Cancer Syndrome; Hereditary neoplastic syndrome; Neoplastic Syndromes, Hereditary. Identifiers: Orphanet 140162, MedGen C0027672, MeSH D009386, MONDO:0015356.

Submissions (3):

Women's Health and Genetics/Laboratory Corporation of America, LabCorp
Classification: Uncertain significance. Last evaluated: 2024-06-23. Review status: criteria provided, single submitter. Criteria: LabCorp Variant Classification Summary - May 2015. Collection method: clinical testing. Allele origin: germline.

University of Washington Department of Laboratory Medicine, University of Washington
Classification: Likely benign for Hereditary cancer-predisposing syndrome. Last evaluated: 2023-03-23. Review status: criteria provided, single submitter. Criteria: Dines et al. (Genet Med. 2020). Collection method: curation. Allele origin: germline.
Comment: Missense variant in a coldspot region where missense variants are very unlikely to be pathogenic (PMID:31911673).

BRCA1 coldspot (exon 11 using historical exon numbering). Reclassification based on statistical prior probability

Labcorp Genetics (formerly Invitae), Labcorp
Classification: Uncertain significance for Hereditary breast ovarian cancer syndrome. Last evaluated: 2016-11-22. Review status: criteria provided, single submitter. Criteria: Invitae Variant Classification Sherloc (09022015). Collection method: clinical testing. Allele origin: germline.
Comment: In summary, this variant is a novel missense change with uncertain impact on protein function. It has been classified as a Variant of Uncertain Significance. Algorithms developed to predict the effect of missense changes on protein structure and function do not agree on the potential impact of this missense change (SIFT: "Tolerated"; PolyPhen-2: "Possibly Damaging"; Align-GVGD: "Class C0"). This variant is not present in population databases (ExAC no frequency) and has not been reported in the literature in individuals with a BRCA1-related disease. This sequence change replaces valine with alanine at codon 271 of the BRCA1 protein (p.Val271Ala). The valine residue is moderately conserved and there is a small physicochemical difference between valine and alanine.